The following is an entry in ClinVar:

ClinVar aggregate classification (germline): Pathogenic (1 of 4 stars; one submission).

Conditions:
Familial cancer of breast. Also called: BREAST CANCER, FAMILIAL; Hereditary breast cancer; hereditary breast carcinoma. Identifiers: Orphanet 227535, MedGen C0346153, MONDO:0016419, OMIM 114480. Disease mechanism: loss of function.

Submission:

Myriad Genetics, Inc.
Classification: Pathogenic for Familial cancer of breast. Last evaluated: 2024-01-25. Review status: criteria provided, single submitter. Criteria: Myriad Autosomal Dominant, Autosomal Recessive and X-Linked Classification Criteria (2023). Collection method: clinical testing. Allele origin: unknown.
Comment: This variant is considered pathogenic. This variant creates a frameshift predicted to result in premature protein truncation.

NM_000051.4(ATM):c.5447_5468del (p.Ser1816fs)

Gene: ATM (ATM serine/threonine kinase; plus strand). Cytogenetic location: 11q22.3.
Variant type: Deletion.
Coding change: c.5447_5468del on transcript NM_000051.4 (MANE Select); coding-DNA positions 5447 to 5468, 22 bases deleted (GTGGAGGCACAAAATGTGAAAT).
Protein change: p.Ser1816fs; shifts the reading frame from serine 1816.
Molecular consequence: frameshift variant.
Genome position (GRCh38, 1-based): chr11:108,302,980-108,303,001, GTGGAGGCACAAAATGTGAAAT deleted. VCF-style (leftmost placement, unchanged base first): chr11-108302979-AGTGGAGGCACAAAATGTGAAAT-A. GRCh37 (hg19) VCF-style: chr11-108173706-AGTGGAGGCACAAAATGTGAAAT-A.
Other names: c.5447_5468del, p.Ser1816fs (NM_001351834.2); short protein forms S1816fs.
Identifiers: ClinVar variation 3148396 (VCV003148396.1), dbSNP rs2546980396, ClinGen allele CA2825001904.